The following is an entry in ClinVar:

ClinVar aggregate classification (germline): Uncertain significance (1 of 4 stars; one submission).

Conditions:
Immunodeficiency-centromeric instability-facial anomalies syndrome 2 (ICF2). Identifiers: Orphanet 2268, MedGen C3279748, MONDO:0013553, OMIM 614069.

Allele frequency attached by ClinVar (database versions not stated): TOPMed below 0.00001; ExAC 0.00001; gnomAD exomes below 0.00001; gnomAD 0.00001.
gnomAD v4.1: 8 of 1,614,122 alleles (0.0005%); highest among the groups gnomAD compares: Non-Finnish European, 0.00068%; no homozygotes.

Submission:

Labcorp Genetics (formerly Invitae), Labcorp
Classification: Uncertain significance for Immunodeficiency-centromeric instability-facial anomalies syndrome 2. Last evaluated: 2022-06-27. Review status: criteria provided, single submitter. Criteria: Invitae Variant Classification Sherloc (09022015). Collection method: clinical testing. Allele origin: germline.
Comment: This sequence change replaces phenylalanine, which is neutral and non-polar, with leucine, which is neutral and non-polar, at codon 490 of the ZBTB24 protein (p.Phe490Leu). This variant is present in population databases (rs756875652, gnomAD 0.002%). This variant has not been reported in the literature in individuals affected with ZBTB24-related conditions. Algorithms developed to predict the effect of missense changes on protein structure and function are either unavailable or do not agree on the potential impact of this missense change (SIFT: "Not Available"; PolyPhen-2: "Probably Damaging"; Align-GVGD: "Not Available"). In summary, the available evidence is currently insufficient to determine the role of this variant in disease. Therefore, it has been classified as a Variant of Uncertain Significance.

NM_014797.3(ZBTB24):c.1468T>C (p.Phe490Leu)

Gene: ZBTB24 (zinc finger and BTB domain containing 24; minus strand). Cytogenetic location: 6q21.
Variant type: single nucleotide variant.
Coding change: c.1468T>C on transcript NM_014797.3 (MANE Select); coding-DNA position 1468, T replaced by C.
Protein change: p.Phe490Leu; replaces phenylalanine 490 with leucine.
Molecular consequence: missense variant.
Genome position (GRCh38, 1-based): chr6:109,466,477, A>G on the plus strand (T>C on the coding strand, the complement: ZBTB24 is on the minus strand). VCF-style: chr6-109466477-A-G. GRCh37 (hg19) VCF-style: chr6-109787680-A-G.
Other names: short protein forms F490L.
Identifiers: ClinVar variation 1408820 (VCV001408820.5), dbSNP rs756875652, ClinGen allele CA3954063.